The following is an entry in ClinVar:

NM_007294.4(BRCA1):c.5191G>C (p.Glu1731Gln)

Gene: BRCA1 (BRCA1 DNA repair associated; minus strand). Cytogenetic location: 17q21.31.
Variant type: single nucleotide variant.
Coding change: c.5191G>C on transcript NM_007294.4 (MANE Select); coding-DNA position 5191, G replaced by C.
Protein change: p.Glu1731Gln; replaces glutamic acid 1731 with glutamine.
Molecular consequence: missense variant. On other transcripts: non-coding transcript variant (1).
Genome position (GRCh38, 1-based): chr17:43,063,335, C>G on the plus strand (G>C on the coding strand, the complement: BRCA1 is on the minus strand). VCF-style: chr17-43063335-C-G. GRCh37 (hg19) VCF-style: chr17-41215352-C-G.
Other names: c.4978G>C, p.Glu1660Gln (NM_001407571.1, NM_001407900.1, NM_001407902.1 and 12 more transcripts); c.5257G>C, p.Glu1753Gln (NM_001407581.1, NM_001407582.1); c.5254G>C, p.Glu1752Gln (NM_001407583.1, NM_001407585.1, NM_001407587.1 and 1 more transcripts); c.5188G>C, p.Glu1730Gln (NM_001407610.1, NM_001407611.1, NM_001407612.1 and 17 more transcripts); c.5185G>C, p.Glu1729Gln (NM_001407629.1, NM_001407630.1, NM_001407631.1 and 14 more transcripts); c.5131G>C, p.Glu1711Gln (NM_001407649.1); c.5113G>C, p.Glu1705Gln (NM_001407652.1, NM_001407653.1, NM_001407654.1 and 1 more transcripts); c.5110G>C, p.Glu1704Gln (NM_001407656.1, NM_001407657.1, NM_001407658.1); and 72 more; short protein forms E1731Q, E1752Q, E1684Q, E627Q, E1602Q, E1619Q, E1620Q, E1641Q.
Identifiers: ClinVar variation 867458 (VCV000867458.3), dbSNP rs397507244, ClinGen allele CA10591160.

Conditions:
Breast-ovarian cancer, familial, susceptibility to, 1 (BROVCA1). Also called: BRCA1 Hereditary Breast and Ovarian Cancer; OVARIAN CANCER, SUSCEPTIBILITY TO. Identifiers: Orphanet 145, MedGen C2676676, MONDO:0011450, OMIM 604370. Disease mechanism: loss of function.

Submission:

Brotman Baty Institute, University of Washington
No classification provided (evidence only). Condition: Breast-ovarian cancer, familial 1. Review status: no classification provided. Collection method: in vitro. Allele origin: not applicable. Functional consequence: function_uncertain_variant.
ClinVar note: "not provided" was previously submitted as the classification for the variant. However, the classification appeared to be based only on an observation of functional data so it was converted to no classification on 2025-07-30.